The following is an entry in ClinVar:

ClinVar aggregate classification (germline): Uncertain significance (1 of 4 stars; one submission).

gnomAD v4.1: 1 of 1,613,906 alleles (0.000062%); highest among the groups gnomAD compares: African/African-American, 0.0013%; no homozygotes.

Submission:

Labcorp Genetics (formerly Invitae), Labcorp
Classification: Uncertain significance. Last evaluated: 2022-11-26. Review status: criteria provided, single submitter. Criteria: Invitae Variant Classification Sherloc (09022015). Collection method: clinical testing. Allele origin: germline.
Comment: This sequence change replaces glutamic acid, which is acidic and polar, with lysine, which is basic and polar, at codon 2003 of the VCAN protein (p.Glu2003Lys). This variant is present in population databases (no rsID available, gnomAD 0.01%). This variant has not been reported in the literature in individuals affected with VCAN-related conditions. Algorithms developed to predict the effect of missense changes on protein structure and function output the following: SIFT: "Deleterious"; PolyPhen-2: "Possibly Damaging"; Align-GVGD: "Class C55". The lysine amino acid residue is found in multiple mammalian species, which suggests that this missense change does not adversely affect protein function. In summary, the available evidence is currently insufficient to determine the role of this variant in disease. Therefore, it has been classified as a Variant of Uncertain Significance.

NM_004385.5(VCAN):c.6007G>A (p.Glu2003Lys)

Genes: VCAN (versican; plus strand), VCAN-AS1 (VCAN antisense RNA 1; minus strand). Cytogenetic location: 5q14.3.
Variant type: single nucleotide variant.
Coding change: c.6007G>A on transcript NM_004385.5 (MANE Select); coding-DNA position 6007, G replaced by A.
Protein change: p.Glu2003Lys; replaces glutamic acid 2003 with lysine.
Molecular consequence: missense variant. On other transcripts: intron variant (2).
Genome position (GRCh38, 1-based): chr5:83,539,010, G>A. VCF-style: chr5-83539010-G-A. GRCh37 (hg19) VCF-style: chr5-82834829-G-A.
Other names: c.3046G>A, p.Glu1016Lys (NM_001164097.2); c.4004-6527G>A (NM_001164098.2); c.1043-6527G>A (NM_001126336.3); short protein forms E2003K, E1016K.
Identifiers: ClinVar variation 2816854 (VCV002816854.3), dbSNP rs1482969074, ClinGen allele CA360311630.